The following is an entry in ClinVar:

ClinVar aggregate classification (germline): Likely benign. Review status: criteria provided, single submitter (1 of 4 stars). 2 submissions from 2 submitters: Likely benign (1). 1 of the submissions does not count toward it. Last evaluated 2024-04-24.

Conditions:
GNS-related disorder. Also called: GNS-related condition.
Mucopolysaccharidosis, MPS-III-D (MPS3D). Also called: MPS III D; Mucopoly-saccharidosis type 3D; N-acetylglucosamine-6-sulfate sulfatase deficiency; MPS 3D; N-ACETYLGLUCOSAMINE-6-SULFATASE DEFICIENCY; SANFILIPPO SYNDROME D. Identifiers: Orphanet 581, Orphanet 79272, MedGen C0086650, MONDO:0009658, OMIM 252940.

Allele frequency attached by ClinVar (database versions not stated): gnomAD 0.00001.
gnomAD v4.1: 55 of 1,612,976 alleles (0.0034%); highest among the groups gnomAD compares: South Asian, 0.053%; no homozygotes.

Submissions (2):

Labcorp Genetics (formerly Invitae), Labcorp
Classification: Likely benign for Mucopolysaccharidosis, MPS-III-D. Last evaluated: 2024-04-24. Review status: criteria provided, single submitter. Criteria: Invitae Variant Classification Sherloc (09022015). Collection method: clinical testing. Allele origin: germline.

PreventionGenetics, part of Exact Sciences
Classification: Likely benign for GNS-related condition. Last evaluated: 2019-04-05. Review status: no assertion criteria provided. Collection method: clinical testing. Allele origin: germline. Not counted in ClinVar's aggregate classification.
Comment: This variant is classified as likely benign based on ACMG/AMP sequence variant interpretation guidelines (Richards et al. 2015 PMID: 25741868, with internal and published modifications).

NM_002076.4(GNS):c.723A>G (p.Ala241=)

Gene: GNS (glucosamine (N-acetyl)-6-sulfatase; minus strand). Cytogenetic location: 12q14.3.
Variant type: single nucleotide variant.
Coding change: c.723A>G on transcript NM_002076.4 (MANE Select); coding-DNA position 723, A replaced by G.
Protein change: p.Ala241=; no amino-acid change (alanine 241 retained).
Molecular consequence: synonymous variant.
Genome position (GRCh38, 1-based): chr12:64,743,210, T>C on the plus strand (A>G on the coding strand, the complement: GNS is on the minus strand). VCF-style: chr12-64743210-T-C. GRCh37 (hg19) VCF-style: chr12-65136990-T-C.
Other names: c.723A>G (NM_002076.3).
Identifiers: ClinVar variation 1094470 (VCV001094470.11), dbSNP rs770999308, ClinGen allele CA6669860.
Genomic context (GRCh38, chr12:64,743,210, plus strand): 5'-GATGTTGAAGTTCTTGTTTCTTGGTGCAAAGACATTCTGGAAAGCCTTCTGGTACTGAGG[T>C]GCAGCTGTCCAAGGCGAATGAGGCGCTGGAGTGGCGATCATCATGAAGAAGGGCTCAAAG-3'
Protein context (NP_002067.1, residues 231-251): TPAPHSPWTA[Ala241=]PQYQKAFQNV